The following is an entry in ClinVar:

ClinVar aggregate classification (germline): Conflicting classifications of pathogenicity. Review status: criteria provided, conflicting classifications (1 of 4 stars). 2 submissions from 2 submitters: Pathogenic (1); Uncertain significance (1). Last evaluated 2025-10-15.

Allele frequency attached by ClinVar (database versions not stated): gnomAD 0.00001; TOPMed 0.00004.

Submissions (2):

Labcorp Genetics (formerly Invitae), Labcorp
Classification: Pathogenic. Last evaluated: 2025-10-15. Review status: criteria provided, single submitter. Criteria: Invitae Variant Classification Sherloc (09022015). Collection method: clinical testing. Allele origin: germline.
Comment: This sequence change creates a premature translational stop signal (p.Arg630*) in the SAMD11 gene. While this is not anticipated to result in nonsense mediated decay, it is expected to disrupt the last 52 amino acid(s) of the SAMD11 protein. This variant is present in population databases (rs761448939, gnomAD 0.02%). This premature translational stop signal has been observed in individuals with retinitis pigmentosa (PMID: 27734943). It has also been observed to segregate with disease in related individuals. ClinVar contains an entry for this variant (Variation ID: 950448). For these reasons, this variant has been classified as Pathogenic.

Blueprint Genetics
Classification: Uncertain significance. Last evaluated: 2024-11-15. Review status: criteria provided, single submitter. Criteria: ACMG Guidelines, 2015. Collection method: clinical testing. Allele origin: germline.

Literature cited by the submitters: PubMed 27734943 (cited by Labcorp Genetics (formerly Invitae), Labcorp).

NM_001385641.1(SAMD11):c.2377C>T (p.Arg793Ter)

Gene: SAMD11 (sterile alpha motif domain containing 11; plus strand). Cytogenetic location: 1p36.33.
Variant type: single nucleotide variant.
Coding change: c.2377C>T on transcript NM_001385641.1 (MANE Select); coding-DNA position 2377, C replaced by T.
Protein change: p.Arg793Ter; replaces arginine 793 with a stop codon.
Molecular consequence: nonsense.
Genome position (GRCh38, 1-based): chr1:943,995, C>T. VCF-style: chr1-943995-C-T. GRCh37 (hg19) VCF-style: chr1-879375-C-T.
Other names: c.2380C>T, p.Arg794Ter (NM_001385640.1); c.1888C>T, p.Arg630Ter (NM_152486.4); short protein forms R630*, R793*, R794*.
Identifiers: ClinVar variation 950448 (VCV000950448.8), dbSNP rs761448939, ClinGen allele CA503370.